The following is an entry in ClinVar:

ClinVar aggregate classification (germline): Uncertain significance. Review status: criteria provided, multiple submitters, no conflicts (2 of 4 stars). 6 submissions from 6 submitters: Uncertain significance (6). Last evaluated 2025-11-25.

Conditions:
Familial cancer of breast. Also called: BREAST CANCER, FAMILIAL; Hereditary breast cancer; hereditary breast carcinoma. Identifiers: Orphanet 227535, MedGen C0346153, MONDO:0016419, OMIM 114480. Disease mechanism: loss of function.
Hereditary cancer-predisposing syndrome. Also called: Neoplastic Syndromes, Hereditary; Tumor predisposition; Hereditary neoplastic syndrome; Hereditary Cancer Syndrome. Identifiers: Orphanet 140162, MedGen C0027672, MeSH D009386, MONDO:0015356.
CHEK2-related cancer predisposition (TPDS4). Also called: CHEK2-related cancer susceptibility; TUMOR PREDISPOSITION SYNDROME 4; CANCER PREDISPOSITION SYNDROME, CHEK2-RELATED. Identifiers: Orphanet 524, MedGen C5882668, MONDO:0700271, OMIM 609265.

gnomAD v4.1: 2 of 1,613,832 alleles (0.00012%); highest among the groups gnomAD compares: Middle Eastern, 0.016%; no homozygotes.

Submissions (6):

Ambry Genetics
Classification: Uncertain significance for Hereditary cancer-predisposing syndrome. Last evaluated: 2025-11-25. Review status: criteria provided, single submitter. Criteria: Ambry Variant Classification Scheme 2023. Collection method: clinical testing. Allele origin: germline.
Comment: The p.G30S variant (also known as c.88G>A), located in coding exon 1 of the CHEK2 gene, results from a G to A substitution at nucleotide position 88. The glycine at codon 30 is replaced by serine, an amino acid with similar properties. This amino acid position is well conserved in available vertebrate species. In addition, the in silico prediction for this alteration is inconclusive. Since supporting evidence is limited at this time, the clinical significance of this alteration remains unclear.

Labcorp Genetics (formerly Invitae), Labcorp
Classification: Uncertain significance for Familial cancer of breast. Last evaluated: 2025-11-19. Review status: criteria provided, single submitter. Criteria: Invitae Variant Classification Sherloc (09022015). Collection method: clinical testing. Allele origin: germline.
Comment: This sequence change replaces glycine, which is neutral and non-polar, with serine, which is neutral and polar, at codon 30 of the CHEK2 protein (p.Gly30Ser). This variant is not present in population databases (gnomAD no frequency). This variant has not been reported in the literature in individuals affected with CHEK2-related conditions. ClinVar contains an entry for this variant (Variation ID: 479561). An algorithm developed to predict the effect of missense changes on protein structure and function outputs the following: PolyPhen-2: "Benign". The serine amino acid residue is found in multiple mammalian species, which suggests that this missense change does not adversely affect protein function. In summary, the available evidence is currently insufficient to determine the role of this variant in disease. Therefore, it has been classified as a Variant of Uncertain Significance.

Dasa
Classification: Uncertain significance for TUMOR PREDISPOSITION SYNDROME 4. Last evaluated: 2025-11-11. Review status: criteria provided, single submitter. Criteria: DASA Assertion Criteria. Collection method: clinical testing. Allele origin: germline.
Comment: NM_007194.4(CHEK2):c.88G>A (p.Gly30Ser) is a missense variant that results in the substitution of glycine with serine. This variant is rare in population databases. Computational prediction algorithms are consistent with a benign effect. The currently available literature and clinical evidence are not sufficient to establish a definitive association between this variant and the reported condition. Therefore, this variant is classified as a variant of uncertain significance.

Color Diagnostics, LLC DBA Color Health
Classification: Uncertain significance for Hereditary cancer-predisposing syndrome. Last evaluated: 2023-12-05. Review status: criteria provided, single submitter. Criteria: ACMG Guidelines, 2015. Collection method: clinical testing. Allele origin: germline.
Comment: This missense variant replaces glycine with serine at codon 30 of the CHEK2 protein. Computational prediction suggests that this variant may not impact protein structure and function (internally defined REVEL score threshold <= 0.5, PMID: 27666373). To our knowledge, functional studies have not been reported for this variant. This variant has not been reported in individuals affected with CHEK2-related disorders in the literature. This variant has not been identified in the general population by the Genome Aggregation Database (gnomAD). The available evidence is insufficient to determine the role of this variant in disease conclusively. Therefore, this variant is classified as a Variant of Uncertain Significance.

Baylor Genetics
Classification: Uncertain significance for Familial cancer of breast. Last evaluated: 2023-11-10. Review status: criteria provided, single submitter. Criteria: ACMG Guidelines, 2015. Collection method: clinical testing. Allele origin: unknown.

Mendelics
Classification: Uncertain significance for Familial cancer of breast. Last evaluated: 2018-07-02. Review status: criteria provided, single submitter. Criteria: Mendelics Assertion Criteria 2017. Collection method: clinical testing. Allele origin: unknown.

NM_007194.4(CHEK2):c.88G>A (p.Gly30Ser)

Gene: CHEK2 (checkpoint kinase 2; minus strand). Cytogenetic location: 22q12.1.
Variant type: single nucleotide variant.
Coding change: c.88G>A on transcript NM_007194.4 (MANE Select); coding-DNA position 88, G replaced by A.
Protein change: p.Gly30Ser; replaces glycine 30 with serine.
Molecular consequence: missense variant.
Genome position (GRCh38, 1-based): chr22:28,734,634, C>T on the plus strand (G>A on the coding strand, the complement: CHEK2 is on the minus strand). VCF-style: chr22-28734634-C-T. GRCh37 (hg19) VCF-style: chr22-29130622-C-T.
Other names: c.88G>A, p.Gly30Ser (NM_001005735.3, NM_001349956.3, NM_145862.3); c.-690G>A (NM_001257387.3); short protein forms G30S.
Identifiers: ClinVar variation 479561 (VCV000479561.21), dbSNP rs1555932749, ClinGen allele CA411091584.